The following is an entry in ClinVar:

ClinVar aggregate classification (germline): Uncertain significance. Review status: criteria provided, multiple submitters, no conflicts (2 of 4 stars). 2 submissions from 2 submitters: Uncertain significance (2). Last evaluated 2025-10-15.

Submissions (2):

Ambry Genetics
Classification: Uncertain significance. Last evaluated: 2025-10-15. Review status: criteria provided, single submitter. Criteria: Ambry Variant Classification Scheme 2023. Collection method: clinical testing. Allele origin: germline.

Labcorp Genetics (formerly Invitae), Labcorp
Classification: Uncertain significance. Last evaluated: 2025-05-01. Review status: criteria provided, single submitter. Criteria: Invitae Variant Classification Sherloc (09022015). Collection method: clinical testing. Allele origin: germline.
Comment: This sequence change replaces arginine, which is basic and polar, with glutamine, which is neutral and polar, at codon 65 of the CTF1 protein (p.Arg65Gln). This variant is not present in population databases (gnomAD no frequency). This variant has not been reported in the literature in individuals affected with CTF1-related conditions. An algorithm developed to predict the effect of missense changes on protein structure and function (PolyPhen-2) suggests that this variant is likely to be disruptive. In summary, the available evidence is currently insufficient to determine the role of this variant in disease. Therefore, it has been classified as a Variant of Uncertain Significance.

NM_001330.5(CTF1):c.194G>A (p.Arg65Gln)

Genes: CTF1 (cardiotrophin 1; plus strand), LOC130058878 (ATAC-STARR-seq lymphoblastoid silent region 7400; plus strand). Cytogenetic location: 16p11.2.
Variant type: single nucleotide variant.
Coding change: c.194G>A on transcript NM_001330.5 (MANE Select); coding-DNA position 194, G replaced by A.
Protein change: p.Arg65Gln; replaces arginine 65 with glutamine.
Molecular consequence: missense variant. On other transcripts: non-coding transcript variant (1).
Genome position (GRCh38, 1-based): chr16:30,902,127, G>A. VCF-style: chr16-30902127-G-A. GRCh37 (hg19) VCF-style: chr16-30913448-G-A.
Other names: c.191G>A, p.Arg64Gln (NM_001142544.3); short protein forms R64Q, R65Q.
Identifiers: ClinVar variation 4657467 (VCV004657467.2).